The following is an entry in ClinVar:

NM_001035.3(RYR2):c.2114C>T (p.Pro705Leu)

Gene: RYR2 (ryanodine receptor 2; plus strand). Cytogenetic location: 1q43.
Variant type: single nucleotide variant.
Coding change: c.2114C>T on transcript NM_001035.3 (MANE Select); coding-DNA position 2114, C replaced by T.
Protein change: p.Pro705Leu; replaces proline 705 with leucine.
Molecular consequence: missense variant.
Genome position (GRCh38, 1-based): chr1:237,496,663, C>T. VCF-style: chr1-237496663-C-T. GRCh37 (hg19) VCF-style: chr1-237659963-C-T.
Other names: short protein forms P705L.
Identifiers: ClinVar variation 4863737 (VCV004863737.1).
Genomic context (GRCh38, chr1:237,496,663, plus strand): 5'-TTGTGACAGCTGAAGCAACTCACCTGCGAGTGGGCTGGGCTTCCACTGAAGGATATTCTC[C>T]CTACCCTGGAGGGGGCGAAGAGTGGGGTGGAAATGGTGTTGGAGATGATCTCTTCTCCTA-3'
Protein context (NP_001026.2, residues 695-715): VGWASTEGYS[Pro705Leu]YPGGGEEWGG

ClinVar aggregate classification (germline): Uncertain significance (1 of 4 stars; one submission).

Conditions:
Cardiovascular phenotype. Identifiers: MedGen CN230736.

Submission:

Ambry Genetics
Classification: Uncertain significance for Cardiovascular phenotype. Last evaluated: 2026-06-14. Review status: criteria provided, single submitter. Criteria: Ambry Variant Classification Scheme 2023. Collection method: clinical testing. Allele origin: germline.
Comment: The p.P705L variant (also known as c.2114C>T), located in coding exon 20 of the RYR2 gene, results from a C to T substitution at nucleotide position 2114. The proline at codon 705 is replaced by leucine, an amino acid with similar properties. This amino acid position is conserved. In addition, the in silico prediction for this alteration is inconclusive. Based on the available evidence, the clinical significance of this variant remains unclear.